The following is an entry in ClinVar:

NM_012463.4(ATP6V0A2):c.112C>T (p.Arg38Ter)

Genes: ATP6V0A2 (ATPase H+ transporting V0 subunit a2; plus strand), LOC130009117 (ATAC-STARR-seq lymphoblastoid silent region 5049; plus strand). Cytogenetic location: 12q24.31.
Variant type: single nucleotide variant.
Coding change: c.112C>T on transcript NM_012463.4 (MANE Select); coding-DNA position 112, C replaced by T.
Protein change: p.Arg38Ter; replaces arginine 38 with a stop codon.
Molecular consequence: nonsense.
Genome position (GRCh38, 1-based): chr12:123,712,677, C>T. VCF-style: chr12-123712677-C-T. GRCh37 (hg19) VCF-style: chr12-124197224-C-T.
Other names: short protein forms R38*.
Identifiers: ClinVar variation 3636993 (VCV003636993.2).
Genomic context (GRCh38, chr12:123,712,677, plus strand): 5'-CAGTCGGGCACGGCCTACGAGTGCCTCAGCGCCCTGGGCGAGAAAGGCCTGGTCCAGTTC[C>T]GAGACGTGAGTGTCGCCCGGGAGACGCGGGCCGCACCTGCTCTCCTGGCGCCCCCAATCC-3'

ClinVar aggregate classification (germline): Pathogenic (1 of 4 stars; one submission).

Conditions:
ALG9 congenital disorder of glycosylation (CDG1L). Also called: ALG9-CDG; CDG Il; CONGENITAL DISORDER OF GLYCOSYLATION, TYPE Il. Identifiers: Orphanet 79328, MedGen C2931006, MONDO:0012117, OMIM 608776.

Submission:

Labcorp Genetics (formerly Invitae), Labcorp
Classification: Pathogenic for ALG9 congenital disorder of glycosylation. Last evaluated: 2024-07-21. Review status: criteria provided, single submitter. Criteria: Invitae Variant Classification Sherloc (09022015). Collection method: clinical testing. Allele origin: germline.
Comment: This sequence change creates a premature translational stop signal (p.Arg38*) in the ATP6V0A2 gene. It is expected to result in an absent or disrupted protein product. Loss-of-function variants in ATP6V0A2 are known to be pathogenic (PMID: 18157129, 19321599). This variant is not present in population databases (gnomAD no frequency). This variant has not been reported in the literature in individuals affected with ATP6V0A2-related conditions. For these reasons, this variant has been classified as Pathogenic.

Literature cited by the submitters: PubMed 18157129; PubMed 19321599.